The following is an entry in ClinVar:

NM_004336.5(BUB1):c.2531C>G (p.Ser844Cys)

Gene: BUB1 (BUB1 mitotic checkpoint serine/threonine kinase; minus strand). Cytogenetic location: 2q13.
Variant type: single nucleotide variant.
Coding change: c.2531C>G on transcript NM_004336.5 (MANE Select); coding-DNA position 2531, C replaced by G.
Protein change: p.Ser844Cys; replaces serine 844 with cysteine.
Molecular consequence: missense variant.
Genome position (GRCh38, 1-based): chr2:110,641,736, G>C on the plus strand (C>G on the coding strand, the complement: BUB1 is on the minus strand). VCF-style: chr2-110641736-G-C. GRCh37 (hg19) VCF-style: chr2-111399313-G-C.
Other names: c.2471C>G, p.Ser824Cys (NM_001278616.2); c.2531C>G, p.Ser844Cys (NM_001278617.2); short protein forms S824C, S844C.
Identifiers: ClinVar variation 1792702 (VCV001792702.3), dbSNP rs1208191170, ClinGen allele CA348090442.

ClinVar aggregate classification (germline): Uncertain significance (1 of 4 stars; one submission).

Allele frequency attached by ClinVar (database versions not stated): gnomAD 0.00001.
gnomAD v4.1: 1 of 1,611,844 alleles (0.000062%); highest among the groups gnomAD compares: Non-Finnish European, 0.000085%; no homozygotes.

Submission:

Ambry Genetics
Classification: Uncertain significance. Last evaluated: 2023-08-29. Review status: criteria provided, single submitter. Criteria: Ambry Variant Classification Scheme 2023. Collection method: clinical testing. Allele origin: germline.
Comment: The p.S844C variant (also known as c.2531C>G), located in coding exon 21 of the BUB1 gene, results from a C to G substitution at nucleotide position 2531. The serine at codon 844 is replaced by cysteine, an amino acid with dissimilar properties. This amino acid position is conserved. In addition, this alteration is predicted to be tolerated by in silico analysis. Since supporting evidence is limited at this time, the clinical significance of this alteration remains unclear.